The following is an entry in ClinVar:

NM_000089.4(COL1A2):c.2645G>A (p.Arg882His)

Gene: COL1A2 (collagen type I alpha 2 chain; plus strand). Cytogenetic location: 7q21.3.
Variant type: single nucleotide variant.
Coding change: c.2645G>A on transcript NM_000089.4 (MANE Select); coding-DNA position 2645, G replaced by A.
Protein change: p.Arg882His; replaces arginine 882 with histidine.
Molecular consequence: missense variant.
Genome position (GRCh38, 1-based): chr7:94,424,415, G>A. VCF-style: chr7-94424415-G-A. GRCh37 (hg19) VCF-style: chr7-94053727-G-A.
Other names: short protein forms R882H.
Identifiers: ClinVar variation 843049 (VCV000843049.16), dbSNP rs140368271, ClinGen allele CA4347515.
Genomic context (GRCh38, chr7:94,424,415, plus strand): 5'-GTCCTCAGGGTCTTCTTGGTGCTCCTGGTATTCTGGGTCTCCCTGGCTCGAGAGGTGAAC[G>A]TGGTCTACCAGGTGTTGCTGGTGCTGTGGTGAGTGCTTGACAGTATTCTGACTCCATTAA-3'
Protein context (NP_000080.2, residues 872-892): ILGLPGSRGE[Arg882His]GLPGVAGAVG

ClinVar aggregate classification (germline): Uncertain significance. Review status: criteria provided, multiple submitters, no conflicts (2 of 4 stars). 3 submissions from 3 submitters: Uncertain significance (3). Last evaluated 2026-02-27.

Conditions:
Ehlers-Danlos syndrome, arthrochalasia type, 2. Also called: EHLERS-DANLOS SYNDROME, TYPE VIIB, AUTOSOMAL DOMINANT. Identifiers: MedGen CN293783, MONDO:0040501, OMIM 617821.
Ehlers-Danlos syndrome, cardiac valvular type. Identifiers: Orphanet 230851, MedGen C4303789, MONDO:0009159, OMIM 225320.
Osteogenesis imperfecta (OI). Identifiers: Orphanet 666, MedGen C0029434, MeSH D010013, MONDO:0019019.
Osteogenesis imperfecta type I (OI1). Also called: Lobstein's Disease; Classic Non-deforming Osteogenesis Imperfecta with Blue Sclerae; Lobstein disease; OI, TYPE I; OSTEOGENESIS IMPERFECTA TARDA; OSTEOGENESIS IMPERFECTA WITH BLUE SCLERAE. Identifiers: Orphanet 216796, Orphanet 666, MedGen C0023931, MONDO:0008146, OMIM 166200. Disease mechanism: loss of function.
Ehlers-Danlos syndrome, classic type, 1 (EDSCL1). Also called: Ehlers-Danlos syndrome, type 1; Ehlers-Danlos Syndrome, Classic Type, COL5A1-Related; EDS I; EHLERS-DANLOS SYNDROME, GRAVIS TYPE; EHLERS-DANLOS SYNDROME, SEVERE CLASSIC TYPE. Identifiers: MedGen C0268335, MONDO:0019567, OMIM 130000.

Allele frequency attached by ClinVar (database versions not stated): ExAC 0.00002; gnomAD 0.00007 and 0.00009; 1000 Genomes Project 30x 0.00016; gnomAD exomes 0.00002; ESP Exome Variant Server 0.00008; TOPMed 0.00011.
gnomAD v4.1: 42 of 1,614,124 alleles (0.0026%); highest among the groups gnomAD compares: African/African-American, 0.023%; no homozygotes.

Submissions (3):

Women's Health and Genetics/Laboratory Corporation of America, LabCorp
Classification: Uncertain significance. Last evaluated: 2026-02-27. Review status: criteria provided, single submitter. Criteria: LabCorp Variant Classification Summary - May 2015. Collection method: clinical testing. Allele origin: germline.
Comment: Variant summary: COL1A2 c.2645G>A (p.Arg882His) results in a non-conservative amino acid change in the encoded protein sequence. Algorithms developed to predict the effect of missense changes on protein structure and function all suggest that this variant is likely to be disruptive. The variant allele was found at a frequency of 1.6e-05 in 251474 control chromosomes. The available data on variant occurrences in the general population are insufficient to allow any conclusion about variant significance. To our knowledge, no occurrence of c.2645G>A in individuals affected with COL1A2-related conditions and no experimental evidence demonstrating its impact on protein function have been reported. ClinVar contains an entry for this variant (Variation ID: 843049). Based on the evidence outlined above, the variant was classified as uncertain significance.

Labcorp Genetics (formerly Invitae), Labcorp
Classification: Uncertain significance for Osteogenesis imperfecta type I; Ehlers-Danlos syndrome, classic type, 1. Last evaluated: 2025-12-19. Review status: criteria provided, single submitter. Criteria: Invitae Variant Classification Sherloc (09022015). Collection method: clinical testing. Allele origin: germline.
Comment: This sequence change replaces arginine, which is basic and polar, with histidine, which is basic and polar, at codon 882 of the COL1A2 protein (p.Arg882His). This variant is present in population databases (rs140368271, gnomAD 0.01%). This variant has not been reported in the literature in individuals affected with COL1A2-related conditions. ClinVar contains an entry for this variant (Variation ID: 843049). Invitae Evidence Modeling of protein sequence and biophysical properties (such as structural, functional, and spatial information, amino acid conservation, physicochemical variation, residue mobility, and thermodynamic stability) has been performed for this missense variant. However, the output from this modeling did not meet the statistical confidence thresholds required to predict the impact of this variant on COL1A2 protein function. In summary, the available evidence is currently insufficient to determine the role of this variant in disease. Therefore, it has been classified as a Variant of Uncertain Significance.

GeneDx
Classification: Uncertain significance. Last evaluated: 2020-07-13. Review status: criteria provided, single submitter. Criteria: GeneDx Variant Classification Process June 2021. Collection method: clinical testing. Allele origin: germline. Affected: yes.
Comment: In silico analysis supports that this missense variant has a deleterious effect on protein structure/function; Has not been previously published as pathogenic or benign to our knowledge; Occurs in the triple helical domain at the Y position in the canonical Gly-X-Y repeat; although this variant may have an effect on normal protein folding and function, missense substitution at the Y position is not a common mechanism of disease (Stenson et al., 2014)